The following is an entry in ClinVar:

NM_002878.4(RAD51D):c.263+1323C>A

Genes: RAD51D (RAD51 paralog D; minus strand), RAD51L3-RFFL (RAD51L3-RFFL readthrough; minus strand). Cytogenetic location: 17q12.
Variant type: single nucleotide variant.
Coding change: c.263+1323C>A on transcript NM_002878.4 (MANE Select); 1323 bases into the intron after coding-DNA position 263, C replaced by A.
Molecular consequence: intron variant.
Genome position (GRCh38, 1-based): chr17:35,117,178, G>T on the plus strand (C>A on the coding strand, the complement: RAD51D is on the minus strand). VCF-style: chr17-35117178-G-T. GRCh37 (hg19) VCF-style: chr17-33444197-G-T.
Other names: c.144+1933C>A (NM_133629.3); c.145-141C>A (NM_001142571.2).
Identifiers: ClinVar variation 683444 (VCV000683444.1), dbSNP rs28363263, ClinGen allele CA290005276.

ClinVar aggregate classification (germline): Likely benign (1 of 4 stars; one submission).

Allele frequency attached by ClinVar (database versions not stated): 1000 Genomes Project 30x 0.00265; 1000 Genomes Project 0.00300; gnomAD 0.00361 and 0.00390; TOPMed 0.00426.
gnomAD v4.1: 813 of 910,716 alleles (0.089%); highest among the groups gnomAD compares: African/African-American, 1.2%; 8 homozygotes.

Submission:

GeneDx
Classification: Likely benign. Last evaluated: 2018-06-12. Review status: criteria provided, single submitter. Criteria: GeneDx Variant Classification (06012015). Collection method: clinical testing. Allele origin: germline. Affected: yes.
Comment: This variant is considered likely benign or benign based on one or more of the following criteria: it is a conservative change, it occurs at a poorly conserved position in the protein, it is predicted to be benign by multiple in silico algorithms, and/or has population frequency not consistent with disease.